The following is an entry in ClinVar:

NM_001083619.3(GRIA2):c.1973A>G (p.Glu658Gly)

Gene: GRIA2 (glutamate ionotropic receptor AMPA type subunit 2; plus strand). Cytogenetic location: 4q32.1.
Variant type: single nucleotide variant.
Coding change: c.1973A>G on transcript NM_001083619.3 (MANE Select); coding-DNA position 1973, A replaced by G.
Protein change: p.Glu658Gly; replaces glutamic acid 658 with glycine.
Molecular consequence: missense variant.
Genome position (GRCh38, 1-based): chr4:157,341,392, A>G. VCF-style: chr4-157341392-A-G. GRCh37 (hg19) VCF-style: chr4-158262544-A-G.
Other names: c.1973A>G, p.Glu658Gly (NM_000826.6); c.1832A>G, p.Glu611Gly (NM_001083620.3, NM_001379000.3, NM_001379001.3); short protein forms E611G, E658G.
Identifiers: ClinVar variation 4071785 (VCV004071785.1).
Genomic context (GRCh38, chr4:157,341,392, plus strand): 5'-CGGCTAACTTAGCTGCCTTCCTGACTGTAGAGAGGATGGTGTCTCCCATCGAAAGTGCTG[A>G]GGATCTTTCTAAGCAAACAGAAATTGCTTATGGAACATTAGACTCTGGCTCCACTAAAGA-3'
Protein context (NP_001077088.2, residues 648-668): ERMVSPIESA[Glu658Gly]DLSKQTEIAY

ClinVar aggregate classification (germline): Uncertain significance (1 of 4 stars; one submission).

Submission:

GeneDx
Classification: Uncertain significance. Last evaluated: 2025-01-24. Review status: criteria provided, single submitter. Criteria: GeneDx Variant Classification Process June 2021. Collection method: clinical testing. Allele origin: germline. Affected: yes.
Comment: Not observed at significant frequency in large population cohorts (gnomAD); In silico analysis supports that this missense variant has a deleterious effect on protein structure/function; Has not been previously published as pathogenic or benign to our knowledge